The following is an entry in ClinVar:

NC_000017.10:g.(?_29654511)_(29667669_?)del

Gene: NF1 (neurofibromin 1; plus strand). Cytogenetic location: 17q11.2.
Variant type: Deletion.
Identifiers: ClinVar variation 1072224 (VCV001072224.3).

ClinVar aggregate classification (germline): Pathogenic (1 of 4 stars; one submission).

Conditions:
Neurofibromatosis, type 1 (NF1). Also called: VON RECKLINGHAUSEN DISEASE; Peripheral type neurofibromatosis; NEUROFIBROMATOSIS, TYPE I, SOMATIC; Neurofibromatosis, type I. Identifiers: Orphanet 636, MedGen C0027831, MONDO:0018975, OMIM 162200. Disease mechanism: loss of function.

Submission:

Labcorp Genetics (formerly Invitae), Labcorp
Classification: Pathogenic for Neurofibromatosis, type 1. Last evaluated: 2016-09-05. Review status: criteria provided, single submitter. Criteria: Invitae Variant Classification Sherloc (09022015). Collection method: clinical testing. Allele origin: germline.
Comment: While this particular variant has not been reported in the literature, loss-of-function variants in NF1 are known to be pathogenic (PMID: 10712197, 23913538). For these reasons, this variant has been classified as Pathogenic. This variant is a complex sequence change that deletes most of exon 37 and all of exons 38-46. It also inserts 13 nucleotides into exon 37 of the NF1 gene (c.5318_6999+653delinsGGCAGTTGAGCCA). This creates a premature translational stop signal and is expected to result in an absent or disrupted protein product.

Literature cited by the submitters: PubMed 10712197; PubMed 23913538.